The following is an entry in ClinVar:

NM_000138.5(FBN1):c.6732G>A (p.Met2244Ile)

Gene: FBN1 (fibrillin 1; minus strand). Cytogenetic location: 15q21.1.
Variant type: single nucleotide variant.
Coding change: c.6732G>A on transcript NM_000138.5 (MANE Select); coding-DNA position 6732, G replaced by A.
Protein change: p.Met2244Ile; replaces methionine 2244 with isoleucine.
Molecular consequence: missense variant.
Genome position (GRCh38, 1-based): chr15:48,432,873, C>T on the plus strand (G>A on the coding strand, the complement: FBN1 is on the minus strand). VCF-style: chr15-48432873-C-T. GRCh37 (hg19) VCF-style: chr15-48725070-C-T.
Other names: short protein forms M2244I.
Identifiers: ClinVar variation 633210 (VCV000633210.19), dbSNP rs780960909, ClinGen allele CA057299.

ClinVar aggregate classification (germline): Conflicting classifications of pathogenicity. Review status: criteria provided, conflicting classifications (1 of 4 stars). 7 submissions from 7 submitters: Uncertain significance (5); Likely benign (2). Last evaluated 2025-09-12.

Conditions:
Familial thoracic aortic aneurysm and aortic dissection (TAAD). Also called: Thoracic aortic aneurysms and dissections. Identifiers: Orphanet 91387, MedGen C4707243, MONDO:0019625.
Marfan syndrome (MFS). Also called: FBN1-Related Marfan Syndrome; Marfan syndrome type 1; Marfan's syndrome; Marfan syndrome, classic; MARFAN SYNDROME, TYPE I. Identifiers: Orphanet 284963, Orphanet 558, MedGen C0024796, MONDO:0007947, OMIM 154700.

Allele frequency attached by ClinVar (database versions not stated): TOPMed 0.00003; gnomAD exomes 0.00003 and 0.00001; gnomAD 0.00002; ExAC 0.00002.
gnomAD v4.1: 9 of 1,613,536 alleles (0.00056%); highest among the groups gnomAD compares: Admixed American, 0.015%; no homozygotes.

Submissions (7):

Color Diagnostics, LLC DBA Color Health
Classification: Likely benign for Familial thoracic aortic aneurysm and aortic dissection. Last evaluated: 2025-09-12. Review status: criteria provided, single submitter. Criteria: ACMG Guidelines, 2015. Collection method: clinical testing. Allele origin: germline.

GeneDx
Classification: Uncertain significance. Last evaluated: 2025-01-22. Review status: criteria provided, single submitter. Criteria: GeneDx Variant Classification Process June 2021. Collection method: clinical testing. Allele origin: germline. Affected: yes.
Comment: In silico analysis supports that this missense variant has a deleterious effect on protein structure/function; Has not been previously published as pathogenic or benign to our knowledge; Does not affect a cysteine or calcium-binding residue within an EGF-like domain or a TGF-binding protein domain of the FBN1 gene; cysteine substitutions in the EGF-like domains represent the majority of pathogenic missense changes associated with FBN1-related disorders (PMID: 12938084); This variant is associated with the following publications: (PMID: 12938084)

Ambry Genetics
Classification: Likely benign for Familial thoracic aortic aneurysm and aortic dissection. Last evaluated: 2024-06-04. Review status: criteria provided, single submitter. Criteria: Ambry Variant Classification Scheme 2023. Collection method: clinical testing. Allele origin: germline.

Labcorp Genetics (formerly Invitae), Labcorp
Classification: Uncertain significance for Marfan syndrome; Familial thoracic aortic aneurysm and aortic dissection. Last evaluated: 2024-02-05. Review status: criteria provided, single submitter. Criteria: Invitae Variant Classification Sherloc (09022015). Collection method: clinical testing. Allele origin: germline.
Comment: This sequence change replaces methionine, which is neutral and non-polar, with isoleucine, which is neutral and non-polar, at codon 2244 of the FBN1 protein (p.Met2244Ile). This variant is present in population databases (rs780960909, gnomAD 0.03%). This variant has not been reported in the literature in individuals affected with FBN1-related conditions. ClinVar contains an entry for this variant (Variation ID: 633210). Advanced modeling of protein sequence and biophysical properties (such as structural, functional, and spatial information, amino acid conservation, physicochemical variation, residue mobility, and thermodynamic stability) has been performed at Invitae for this missense variant, however the output from this modeling did not meet the statistical confidence thresholds required to predict the impact of this variant on FBN1 protein function. In summary, the available evidence is currently insufficient to determine the role of this variant in disease. Therefore, it has been classified as a Variant of Uncertain Significance.

All of Us Research Program, National Institutes of Health
Classification: Uncertain significance for Marfan syndrome. Last evaluated: 2023-11-30. Review status: criteria provided, single submitter. Criteria: ACMG Guidelines, 2015. Collection method: clinical testing. Allele origin: germline. Inheritance: Autosomal dominant inheritance. Observed: 2 variant alleles, 2 heterozygotes.
Comment: This missense variant replaces methionine with isoleucine at codon 2244 of the FBN1 protein. Computational prediction is inconclusive regarding the impact of this variant on protein structure and function (internally defined REVEL score threshold 0.5 < inconclusive < 0.7, PMID: 27666373). To our knowledge, functional studies have not been reported for this variant. This variant has not been reported in individuals affected with FBN1-related disorders in the literature. This variant has been identified in 9/282378 chromosomes in the general population by the Genome Aggregation Database (gnomAD). The available evidence is insufficient to determine the role of this variant in disease conclusively. Therefore, this variant is classified as a Variant of Uncertain Significance.

This study involves interpretation of variants in research participants for the purpose of population health screening. Participant phenotype was not available at the time of variant classification. Additional details can be found in publication PMID: 35346344, PMCID: PMC8962531

Women's Health and Genetics/Laboratory Corporation of America, LabCorp
Classification: Uncertain significance. Last evaluated: 2018-12-18. Review status: criteria provided, single submitter. Criteria: LabCorp Variant Classification Summary - May 2015. Collection method: clinical testing. Allele origin: germline.
Comment: Variant summary: FBN1 c.6732G>A (p.Met2244Ile) results in a conservative amino acid change located in the EGF-like calcium-binding domain of the encoded protein sequence. Three of five in-silico tools predict a damaging effect of the variant on protein function. The variant allele was found at a frequency of 3.3e-05 in 276698 control chromosomes, predominantly at a frequency of 0.00026 within the Latino subpopulation in the gnomAD database. This frequency is 2.31 folds higher than the estimated maximum expected allele frequeny for a pathogenic FBN1 variant (0.0001). Therefore, suggesting the variant is a benign polymorphism found predominantly in population(s) of Latino origin. The available data on variant occurrences in the general population are insufficient to allow any conclusion about variant significance. To our knowledge, no occurrence of c.6732G>A in individuals affected with Marfan Syndrome and no experimental evidence demonstrating its impact on protein function have been reported. Co-occurrences with other pathogenic variant(s) have been reported (FBN1 c.5372G>A, p.Cys1791Tyr), providing supporting evidence for a benign role. No clinical diagnostic laboratories have submitted clinical-significance assessments for this variant to ClinVar after 2014. Based on the evidence outlined above, the variant was classified as VUS-possibly benign.

ARUP Laboratories, Molecular Genetics and Genomics, ARUP Laboratories
Classification: Uncertain significance. Last evaluated: 2018-09-23. Review status: criteria provided, single submitter. Criteria: ARUP Molecular Germline Variant Investigation Process. Collection method: clinical testing. Allele origin: germline.
Comment: The FBN1 c.6732G>A; p.Met2244Ile variant (rs780960909), to our knowledge, is not reported in the medical literature or gene specific databases. This variant is found in the Latino population with an allele frequency of 0.026% (9/34,400 alleles) in the Genome Aggregation Database. The methionine at codon 2244 is highly conserved, but computational analyses (SIFT: tolerated, PolyPhen-2: probably damaging) predict conflicting effects of this variant on protein structure/function. Due to limited information, the clinical significance of the p.Met2244Ile variant is uncertain at this time.